The following is an entry in ClinVar:

ClinVar aggregate classification (germline): Uncertain significance. Review status: criteria provided, multiple submitters, no conflicts (2 of 4 stars). 4 submissions from 4 submitters: Uncertain significance (3). 1 of the submissions does not count toward it. Last evaluated 2025-12-21.

Conditions:
COL9A3-related disorder. Also called: COL9A3-related condition.

Allele frequency attached by ClinVar (database versions not stated): gnomAD 0.00004 and 0.00005; ExAC 0.00005; TOPMed 0.00009; gnomAD exomes 0.00006.
gnomAD v4.1: 88 of 1,552,708 alleles (0.0057%); highest among the groups gnomAD compares: Admixed American, 0.025%; no homozygotes.

Submissions (4):

Labcorp Genetics (formerly Invitae), Labcorp
Classification: Uncertain significance. Last evaluated: 2025-12-21. Review status: criteria provided, single submitter. Criteria: Invitae Variant Classification Sherloc (09022015). Collection method: clinical testing. Allele origin: germline.
Comment: This sequence change replaces alanine, which is neutral and non-polar, with valine, which is neutral and non-polar, at codon 606 of the COL9A3 protein (p.Ala606Val). This variant is present in population databases (rs757192189, gnomAD 0.02%). This variant has not been reported in the literature in individuals affected with COL9A3-related conditions. ClinVar contains an entry for this variant (Variation ID: 1025217). Invitae Evidence Modeling of protein sequence and biophysical properties (such as structural, functional, and spatial information, amino acid conservation, physicochemical variation, residue mobility, and thermodynamic stability) indicates that this missense variant is not expected to disrupt COL9A3 protein function with a negative predictive value of 95%. In summary, the available evidence is currently insufficient to determine the role of this variant in disease. Therefore, it has been classified as a Variant of Uncertain Significance.

GeneDx
Classification: Uncertain significance. Last evaluated: 2025-10-29. Review status: criteria provided, single submitter. Criteria: GeneDx Variant Classification Process June 2021. Collection method: clinical testing. Allele origin: germline. Affected: yes.
Comment: Has not been previously published as pathogenic or benign to our knowledge; In silico analysis suggests that this missense variant does not alter protein structure/function

Blueprint Genetics
Classification: Uncertain significance. Last evaluated: 2024-01-12. Review status: criteria provided, single submitter. Criteria: ACMG Guidelines, 2015. Collection method: clinical testing. Allele origin: germline.

PreventionGenetics, part of Exact Sciences
Classification: Uncertain significance for COL9A3-related condition. Last evaluated: 2024-05-13. Review status: no assertion criteria provided. Collection method: clinical testing. Allele origin: germline. Not counted in ClinVar's aggregate classification.
Comment: The COL9A3 c.1817C>T variant is predicted to result in the amino acid substitution p.Ala606Val. To our knowledge, this variant has not been reported in the literature. This variant is reported in 0.024% of alleles in individuals of Latino descent in gnomAD. At this time, the clinical significance of this variant is uncertain due to the absence of conclusive functional and genetic evidence.

NM_001853.4(COL9A3):c.1817C>T (p.Ala606Val)

Gene: COL9A3 (collagen type IX alpha 3 chain; plus strand). Cytogenetic location: 20q13.33.
Variant type: single nucleotide variant.
Coding change: c.1817C>T on transcript NM_001853.4 (MANE Select); coding-DNA position 1817, C replaced by T.
Protein change: p.Ala606Val; replaces alanine 606 with valine.
Molecular consequence: missense variant.
Genome position (GRCh38, 1-based): chr20:62,838,714, C>T. VCF-style: chr20-62838714-C-T. GRCh37 (hg19) VCF-style: chr20-61470066-C-T.
Other names: short protein forms A606V.
Identifiers: ClinVar variation 1025217 (VCV001025217.13), dbSNP rs757192189, ClinGen allele CA9950216.